The following is an entry in ClinVar:

ClinVar aggregate classification (germline): Pathogenic. Review status: criteria provided, multiple submitters, no conflicts (2 of 4 stars). 4 submissions from 4 submitters: Pathogenic (4). Last evaluated 2023-10-13.

Conditions:
ABCA4-related disorder. Also called: ABCA4-related condition; ABCA4-related disorders. Identifiers: MedGen CN239167.

Submissions (4):

GeneDx
Classification: Pathogenic. Last evaluated: 2023-10-13. Review status: criteria provided, single submitter. Criteria: GeneDx Variant Classification Process June 2021. Collection method: clinical testing. Allele origin: germline. Affected: yes.
Comment: Frameshift variant predicted to result in protein truncation or nonsense mediated decay in a gene for which loss of function is a known mechanism of disease; Not observed at significant frequency in large population cohorts (gnomAD); This variant is associated with the following publications: (PMID: 14517951, 25066811)

Labcorp Genetics (formerly Invitae), Labcorp
Classification: Pathogenic. Last evaluated: 2023-05-12. Review status: criteria provided, single submitter. Criteria: Invitae Variant Classification Sherloc (09022015). Collection method: clinical testing. Allele origin: germline.
Comment: For these reasons, this variant has been classified as Pathogenic. ClinVar contains an entry for this variant (Variation ID: 502651). This premature translational stop signal has been observed in individual(s) with Stargardt disease (PMID: 25066811). This variant is not present in population databases (gnomAD no frequency). This sequence change creates a premature translational stop signal (p.Val1764Trpfs*14) in the ABCA4 gene. It is expected to result in an absent or disrupted protein product. Loss-of-function variants in ABCA4 are known to be pathogenic (PMID: 10958761, 24938718, 25312043, 26780318).

Blueprint Genetics
Classification: Pathogenic for ABCA4-related disorders. Last evaluated: 2022-10-26. Review status: criteria provided, single submitter. Criteria: ACMG Guidelines, 2015. Collection method: clinical testing. Allele origin: germline. Affected: yes. Observed: 2 variant alleles.

Eurofins Ntd Llc (ga)
Classification: Pathogenic. Last evaluated: 2017-06-27. Review status: criteria provided, single submitter. Criteria: EGL Classification Definitions 2015. Collection method: clinical testing. Allele origin: germline. Observed: 1 variant allele, 1 heterozygote.

Literature cited by the submitters: PubMed 25066811 (cited by Labcorp Genetics (formerly Invitae), Labcorp); PubMed 10958761 (cited by Labcorp Genetics (formerly Invitae), Labcorp); PubMed 24938718 (cited by Labcorp Genetics (formerly Invitae), Labcorp); PubMed 25312043 (cited by Labcorp Genetics (formerly Invitae), Labcorp); PubMed 26780318 (cited by Labcorp Genetics (formerly Invitae), Labcorp).

NM_000350.3(ABCA4):c.5289del (p.Val1764fs)

Gene: ABCA4 (ATP binding cassette subfamily A member 4; minus strand). Cytogenetic location: 1p22.1.
Variant type: Deletion.
Coding change: c.5289del on transcript NM_000350.3 (MANE Select); coding-DNA position 5289, one base deleted (T; older notation c.5289delT).
Protein change: p.Val1764fs; shifts the reading frame from valine 1764.
Molecular consequence: frameshift variant.
Genome position (GRCh38, 1-based): chr1:94,015,762, A deleted on the plus strand (T on the coding strand, the reverse complement: ABCA4 is on the minus strand); the first of 2 consecutive A bases (chr1:94,015,762-94,015,763); deleting either gives the same sequence. VCF-style (leftmost placement, unchanged base first): chr1-94015761-CA-C. GRCh37 (hg19) VCF-style: chr1-94481317-CA-C.
Other names: c.5066delT, p.Val1690Trpfs (NM_001425324.1); short protein forms V1764fs.
Identifiers: ClinVar variation 502651 (VCV000502651.16), dbSNP rs1553188071, ClinGen allele CA645372211.